The following is an entry in ClinVar:

NM_002863.5(PYGL):c.1902C>G (p.Asp634Glu)

Gene: PYGL (glycogen phosphorylase L; minus strand). Cytogenetic location: 14q22.1.
Variant type: single nucleotide variant.
Coding change: c.1902C>G on transcript NM_002863.5 (MANE Select); coding-DNA position 1902, C replaced by G.
Protein change: p.Asp634Glu; replaces aspartic acid 634 with glutamic acid.
Molecular consequence: missense variant.
Genome position (GRCh38, 1-based): chr14:50,911,797, G>C on the plus strand (C>G on the coding strand, the complement: PYGL is on the minus strand). VCF-style: chr14-50911797-G-C. GRCh37 (hg19) VCF-style: chr14-51378515-G-C.
Other names: c.1902C>G (NM_002863.4); c.1800C>G, p.Asp600Glu (NM_001163940.2); short protein forms D634E, D600E.
Identifiers: ClinVar variation 1981942 (VCV001981942.5), dbSNP rs755141133, ClinGen allele CA7183292.

ClinVar aggregate classification (germline): Uncertain significance. Review status: criteria provided, multiple submitters, no conflicts (2 of 4 stars). 2 submissions from 2 submitters: Uncertain significance (2). Last evaluated 2025-08-19.

Conditions:
Glycogen storage disease, type VI (GSD6). Also called: Glycogen storage disease type 6, due to phosphorylation; GSD VI; Glycogen storage disease type 6; Hepatic glycogen phosphorylase deficiency; HERS DISEASE; PHOSPHORYLASE DEFICIENCY GLYCOGEN-STORAGE DISEASE OF LIVER. Identifiers: Orphanet 369, MedGen C0017925, MONDO:0009294, OMIM 232700.
Inborn genetic diseases. Identifiers: MedGen C0950123, MeSH D030342.

Allele frequency attached by ClinVar (database versions not stated): ExAC 0.00001; TOPMed 0.00002.
gnomAD v4.1: 7 of 1,614,084 alleles (0.00043%); highest among the groups gnomAD compares: Admixed American, 0.01%; no homozygotes.

Submissions (2):

Ambry Genetics
Classification: Uncertain significance for Inborn genetic diseases. Last evaluated: 2025-08-19. Review status: criteria provided, single submitter. Criteria: Ambry Variant Classification Scheme 2023. Collection method: clinical testing. Allele origin: germline.

Labcorp Genetics (formerly Invitae), Labcorp
Classification: Uncertain significance for Glycogen storage disease, type VI. Last evaluated: 2022-08-21. Review status: criteria provided, single submitter. Criteria: Invitae Variant Classification Sherloc (09022015). Collection method: clinical testing. Allele origin: germline.
Comment: This sequence change replaces aspartic acid, which is acidic and polar, with glutamic acid, which is acidic and polar, at codon 634 of the PYGL protein (p.Asp634Glu). This variant is present in population databases (rs755141133, gnomAD 0.02%). This variant has not been reported in the literature in individuals affected with PYGL-related conditions. Advanced modeling of protein sequence and biophysical properties (such as structural, functional, and spatial information, amino acid conservation, physicochemical variation, residue mobility, and thermodynamic stability) performed at Invitae indicates that this missense variant is not expected to disrupt PYGL protein function. In summary, the available evidence is currently insufficient to determine the role of this variant in disease. Therefore, it has been classified as a Variant of Uncertain Significance.